The following is an entry in ClinVar:

NM_000179.3(MSH6):c.2297A>C (p.His766Pro)

Gene: MSH6 (mutS homolog 6; plus strand). Cytogenetic location: 2p16.3.
Variant type: single nucleotide variant.
Coding change: c.2297A>C on transcript NM_000179.3 (MANE Select); coding-DNA position 2297, A replaced by C.
Protein change: p.His766Pro; replaces histidine 766 with proline.
Molecular consequence: missense variant. On other transcripts: non-coding transcript variant (5), intron variant (2).
Genome position (GRCh38, 1-based): chr2:47,800,280, A>C. VCF-style: chr2-47800280-A-C. GRCh37 (hg19) VCF-style: chr2-48027419-A-C.
Other names: c.2129A>C, p.His710Pro (NM_001406826.1); c.2000A>C, p.His667Pro (NM_001406827.1, NM_001406828.1, NM_001406830.1 and 10 more transcripts); c.1391A>C, p.His464Pro (NM_001406829.1, NM_001281493.2, NM_001281494.2 and 6 more transcripts); c.1606+691A>C (NM_001406817.1); c.628-386A>C (NM_001407362.1); c.1907A>C, p.His636Pro (NM_001281492.2); c.2393A>C, p.His798Pro (NM_001406795.1, NM_001406802.1); c.2297A>C, p.His766Pro (NM_001406796.1, NM_001406798.1, NM_001406800.1 and 3 more transcripts); and 3 more; short protein forms H591P, H636P, H710P, H464P, H766P, H798P, H667P, H740P.
Identifiers: ClinVar variation 4657481 (VCV004657481.1).

ClinVar aggregate classification (germline): Uncertain significance (1 of 4 stars; one submission).

Conditions:
Hereditary cancer-predisposing syndrome. Also called: Neoplastic Syndromes, Hereditary; Tumor predisposition; Hereditary Cancer Syndrome; Hereditary neoplastic syndrome. Identifiers: Orphanet 140162, MedGen C0027672, MeSH D009386, MONDO:0015356.

Submission:

Ambry Genetics
Classification: Uncertain significance for Hereditary cancer-predisposing syndrome. Last evaluated: 2025-09-25. Review status: criteria provided, single submitter. Criteria: Ambry Variant Classification Scheme 2023. Collection method: clinical testing. Allele origin: germline.
Comment: The p.H766P variant (also known as c.2297A>C), located in coding exon 4 of the MSH6 gene, results from an A to C substitution at nucleotide position 2297. The histidine at codon 766 is replaced by proline, an amino acid with similar properties. This amino acid position is conserved. In addition, the in silico prediction for this alteration is inconclusive. Based on the available evidence, the clinical significance of this variant remains unclear.